The following is an entry in ClinVar:

ClinVar aggregate classification (germline): Benign (0 of 4 stars; one submission).

Conditions:
PHF3-related disorder. Also called: PHF3-related condition.

Allele frequency attached by ClinVar (database versions not stated): ESP Exome Variant Server 0.00415; 1000 Genomes Project 30x 0.00437; 1000 Genomes Project 0.00439.
gnomAD v4.1: 1,260 of 1,614,084 alleles (0.078%); highest among the groups gnomAD compares: African/African-American, 1.4%; 8 homozygotes.

Submission:

PreventionGenetics, part of Exact Sciences
Classification: Benign for PHF3-related condition. Last evaluated: 2021-06-15. Review status: no assertion criteria provided. Collection method: clinical testing. Allele origin: germline.
Comment: This variant is classified as benign based on ACMG/AMP sequence variant interpretation guidelines (Richards et al. 2015 PMID: 25741868, with internal and published modifications).

NM_001370348.2(PHF3):c.1927G>A (p.Val643Met)

Genes: PHF3 (PHD finger protein 3; plus strand), LOC129996682 (ATAC-STARR-seq lymphoblastoid active region 24722; plus strand). Cytogenetic location: 6q12.
Variant type: single nucleotide variant.
Coding change: c.1927G>A on transcript NM_001370348.2 (MANE Select); coding-DNA position 1927, G replaced by A.
Protein change: p.Val643Met; replaces valine 643 with methionine.
Molecular consequence: missense variant. On other transcripts: intron variant (1).
Genome position (GRCh38, 1-based): chr6:63,685,649, G>A. VCF-style: chr6-63685649-G-A. GRCh37 (hg19) VCF-style: chr6-64395550-G-A.
Other names: c.1663G>A, p.Val555Met (NM_001290259.2, NM_001370349.2); c.1927G>A, p.Val643Met (NM_001290260.2, NM_015153.4); c.-5+5488G>A (NM_001370350.2); short protein forms V555M, V643M.
Identifiers: ClinVar variation 3053849 (VCV003053849.2), dbSNP rs140995432, ClinGen allele CA3875773.